The following is an entry in ClinVar:

NM_000540.3(RYR1):c.159C>A (p.Asn53Lys)

Gene: RYR1 (ryanodine receptor 1; plus strand). Cytogenetic location: 19q13.2.
Variant type: single nucleotide variant.
Coding change: c.159C>A on transcript NM_000540.3 (MANE Select); coding-DNA position 159, C replaced by A.
Protein change: p.Asn53Lys; replaces asparagine 53 with lysine.
Molecular consequence: missense variant.
Genome position (GRCh38, 1-based): chr19:38,440,858, C>A. VCF-style: chr19-38440858-C-A. GRCh37 (hg19) VCF-style: chr19-38931498-C-A.
Other names: c.159C>A, p.Asn53Lys (NM_001042723.2); short protein forms N53K.
Identifiers: ClinVar variation 1707154 (VCV001707154.2), dbSNP rs780591516, ClinGen allele CA405672221.

ClinVar aggregate classification (germline): Uncertain significance (1 of 4 stars; one submission).

gnomAD v4.1: 2 of 1,611,970 alleles (0.00012%); highest among the groups gnomAD compares: Non-Finnish European, 0.000085%; no homozygotes.

Submission:

GeneDx
Classification: Uncertain significance. Last evaluated: 2022-03-23. Review status: criteria provided, single submitter. Criteria: GeneDx Variant Classification Process June 2021. Collection method: clinical testing. Allele origin: germline. Affected: yes.
Comment: Not observed at significant frequency in large population cohorts (gnomAD); In silico analysis supports that this missense variant has a deleterious effect on protein structure/function; Has not been previously published as pathogenic or benign to our knowledge; This variant is associated with the following publications: (PMID: 22473935, 20681998)